The following is an entry in ClinVar:

ClinVar aggregate classification (germline): Benign (3 of 4 stars; one submission).

Conditions:
Breast-ovarian cancer, familial, susceptibility to, 2 (BROVCA2). Also called: BRCA2 Hereditary Breast and Ovarian Cancer. Identifiers: Orphanet 145, MedGen C2675520, MONDO:0012933, OMIM 612555. Disease mechanism: loss of function.

Allele frequency attached by ClinVar (database versions not stated): gnomAD 0.00238; TOPMed 0.00294; 1000 Genomes Project 0.00459; 1000 Genomes Project 30x 0.00531.
gnomAD v4.1: 400 of 151,142 alleles (0.26%); highest among the groups gnomAD compares: African/African-American, 0.91%; no homozygotes.

Submission:

Evidence-based Network for the Interpretation of Germline Mutant Alleles (ENIGMA)
Classification: Benign for Breast-ovarian cancer, familial, susceptibility to, 2. Last evaluated: 2016-09-28. Review status: reviewed by expert panel. Criteria: ENIGMA BRCA1/2 Classification Criteria (2015). Collection method: curation. Allele origin: germline.
Comment: Class 1 not pathogenic based on frequency >1% in an outbred sampleset. Frequency 0.0174 (African), derived from 1000 genomes (2013-05-02).

NM_000059.4(BRCA2):c.8633-257C>A

Gene: BRCA2 (BRCA2 DNA repair associated; plus strand). Cytogenetic location: 13q13.1.
Variant type: single nucleotide variant.
Coding change: c.8633-257C>A on transcript NM_000059.4 (MANE Select); 257 bases into the intron before coding-DNA position 8633, C replaced by A.
Molecular consequence: intron variant.
Genome position (GRCh38, 1-based): chr13:32,376,413, C>A. VCF-style: chr13-32376413-C-A. GRCh37 (hg19) VCF-style: chr13-32950550-C-A.
Identifiers: ClinVar variation 264981 (VCV000264981.1), dbSNP rs11571758, ClinGen allele CA10588151.